The following is an entry in ClinVar:

ClinVar aggregate classification (germline): Uncertain significance (1 of 4 stars; one submission).

Conditions:
Familial hypobetalipoproteinemia 1. Also called: APOB-Related Familial Hypobetalipoproteinemia; Hypobetalipoproteinemia, normotriglyceridemic; Acanthocytosis with hypobetalipoproteinemia. Identifiers: MedGen C4551990, MONDO:0014252, OMIM 615558.
Hypercholesterolemia, autosomal dominant, type B (FHCL2). Also called: APOB-Related Familial Hypercholesterolemia, Autosomal Dominant; Familial hypercholesterolemia 2; Familial Hypercholesterolemia Type B; APOLIPOPROTEIN B-100, FAMILIAL DEFECTIVE; APOLIPOPROTEIN B-100, FAMILIAL LIGAND-DEFECTIVE; HYPERCHOLESTEROLEMIA, FAMILIAL, DUE TO LIGAND-DEFECTIVE APOLIPOPROTEIN B. Identifiers: MedGen C1704417, MONDO:0007751, OMIM 144010.

Submission:

Labcorp Genetics (formerly Invitae), Labcorp
Classification: Uncertain significance for Familial hypobetalipoproteinemia 1; Hypercholesterolemia, autosomal dominant, type B. Last evaluated: 2026-01-13. Review status: criteria provided, single submitter. Criteria: Invitae Variant Classification Sherloc (09022015). Collection method: clinical testing. Allele origin: germline.
Comment: This sequence change falls in intron 22 of the APOB gene. It does not directly change the encoded amino acid sequence of the APOB protein. This variant is not present in population databases (gnomAD no frequency). This variant has not been reported in the literature in individuals affected with APOB-related conditions. Algorithms developed to predict the effect of sequence changes on RNA splicing suggest that this variant may disrupt the consensus splice site. In summary, the available evidence is currently insufficient to determine the role of this variant in disease. Therefore, it has been classified as a Variant of Uncertain Significance.

NM_000384.3(APOB):c.3509-6T>G

Gene: APOB (apolipoprotein B; minus strand). Cytogenetic location: 2p24.1.
Variant type: single nucleotide variant.
Coding change: c.3509-6T>G on transcript NM_000384.3 (MANE Select); 6 bases into the intron before coding-DNA position 3509, T replaced by G.
Molecular consequence: intron variant.
Genome position (GRCh38, 1-based): chr2:21,015,266, A>C on the plus strand (T>G on the coding strand, the complement: APOB is on the minus strand). VCF-style: chr2-21015266-A-C. GRCh37 (hg19) VCF-style: chr2-21238138-A-C.
Identifiers: ClinVar variation 4787260 (VCV004787260.1).